The following is an entry in ClinVar:

NM_024747.6(HPS6):c.2318G>A (p.Arg773Gln)

Gene: HPS6 (HPS6 biogenesis of lysosomal organelles complex 2 subunit 3; plus strand). Cytogenetic location: 10q24.32.
Variant type: single nucleotide variant.
Coding change: c.2318G>A on transcript NM_024747.6 (MANE Select); coding-DNA position 2318, G replaced by A.
Protein change: p.Arg773Gln; replaces arginine 773 with glutamine.
Molecular consequence: missense variant.
Genome position (GRCh38, 1-based): chr10:102,067,792, G>A. VCF-style: chr10-102067792-G-A. GRCh37 (hg19) VCF-style: chr10-103827549-G-A.
Other names: c.2318G>A (NM_024747.5); short protein forms R773Q.
Identifiers: ClinVar variation 1449401 (VCV001449401.6), dbSNP rs748476518, ClinGen allele CA5660160.

ClinVar aggregate classification (germline): Uncertain significance. Review status: criteria provided, multiple submitters, no conflicts (2 of 4 stars). 2 submissions from 2 submitters: Uncertain significance (2). Last evaluated 2023-09-14.

Conditions:
Inborn genetic diseases. Identifiers: MedGen C0950123, MeSH D030342.

Allele frequency attached by ClinVar (database versions not stated): TOPMed 0.00001; gnomAD exomes 0.00004 and 0.00009; ExAC 0.00011; gnomAD 0.00013 and 0.00014.

Submissions (2):

Ambry Genetics
Classification: Uncertain significance for Inborn genetic diseases. Last evaluated: 2023-09-14. Review status: criteria provided, single submitter. Criteria: Ambry Variant Classification Scheme 2023. Collection method: clinical testing. Allele origin: germline.

Labcorp Genetics (formerly Invitae), Labcorp
Classification: Uncertain significance. Last evaluated: 2021-09-24. Review status: criteria provided, single submitter. Criteria: Invitae Variant Classification Sherloc (09022015). Collection method: clinical testing. Allele origin: germline.
Comment: This sequence change replaces arginine with glutamine at codon 773 of the HPS6 protein (p.Arg773Gln). The arginine residue is highly conserved and there is a small physicochemical difference between arginine and glutamine. This variant is present in population databases (rs748476518, ExAC 0.2%). This variant has not been reported in the literature in individuals with HPS6-related conditions. Algorithms developed to predict the effect of missense changes on protein structure and function output the following: SIFT: "Deleterious"; PolyPhen-2: "Benign"; Align-GVGD: "Class C0". The glutamine amino acid residue is found in multiple mammalian species, suggesting that this missense change does not adversely affect protein function. These predictions have not been confirmed by published functional studies and their clinical significance is uncertain. In summary, the available evidence is currently insufficient to determine the role of this variant in disease. Therefore, it has been classified as a Variant of Uncertain Significance.